The following is an entry in ClinVar:

ClinVar aggregate classification (germline): Uncertain significance (1 of 4 stars; one submission).

Allele frequency attached by ClinVar (database versions not stated): gnomAD exomes below 0.00001; ExAC 0.00001.
gnomAD v4.1: 1 of 1,611,146 alleles (0.000062%); highest among the groups gnomAD compares: Admixed American, 0.0017%; no homozygotes.

Submission:

Labcorp Genetics (formerly Invitae), Labcorp
Classification: Uncertain significance. Last evaluated: 2025-03-17. Review status: criteria provided, single submitter. Criteria: Invitae Variant Classification Sherloc (09022015). Collection method: clinical testing. Allele origin: germline.
Comment: This sequence change replaces cysteine, which is neutral and slightly polar, with arginine, which is basic and polar, at codon 72 of the KIF22 protein (p.Cys72Arg). This variant is not present in population databases (gnomAD no frequency). This variant has not been reported in the literature in individuals affected with KIF22-related conditions. ClinVar contains an entry for this variant (Variation ID: 1410074). Invitae Evidence Modeling of protein sequence and biophysical properties (such as structural, functional, and spatial information, amino acid conservation, physicochemical variation, residue mobility, and thermodynamic stability) indicates that this missense variant is not expected to disrupt KIF22 protein function with a negative predictive value of 80%. In summary, the available evidence is currently insufficient to determine the role of this variant in disease. Therefore, it has been classified as a Variant of Uncertain Significance.

NM_007317.3(KIF22):c.214T>C (p.Cys72Arg)

Gene: KIF22 (kinesin family member 22; plus strand). Cytogenetic location: 16p11.2.
Variant type: single nucleotide variant.
Coding change: c.214T>C on transcript NM_007317.3 (MANE Select); coding-DNA position 214, T replaced by C.
Protein change: p.Cys72Arg; replaces cysteine 72 with arginine.
Molecular consequence: missense variant.
Genome position (GRCh38, 1-based): chr16:29,797,036, T>C. VCF-style: chr16-29797036-T-C. GRCh37 (hg19) VCF-style: chr16-29808357-T-C.
Other names: c.10T>C, p.Cys4Arg (NM_001256269.2, NM_001256270.1); short protein forms C72R, C4R.
Identifiers: ClinVar variation 1410074 (VCV001410074.6), dbSNP rs762103783, ClinGen allele CA7992926.
Genomic context (GRCh38, chr16:29,797,036, plus strand): 5'-CCATTTGTGGATGGAACAGCGGGAGCAAGTGATCCCCCCTGTGTGCGGGGCATGGACAGC[T>C]GCTCTCTAGAGATTGCTAACTGGAGGAACCACCAGGAGACTCTCAAATACCAGTAAGGTT-3'
Protein context (NP_015556.1, residues 62-82): DPPCVRGMDS[Cys72Arg]SLEIANWRNH